The following is an entry in ClinVar:

ClinVar aggregate classification (germline): Uncertain significance (1 of 4 stars; one submission).

Conditions:
Hereditary cancer-predisposing syndrome. Also called: Neoplastic Syndromes, Hereditary; Tumor predisposition; Hereditary neoplastic syndrome; Hereditary Cancer Syndrome. Identifiers: Orphanet 140162, MedGen C0027672, MeSH D009386, MONDO:0015356.

Submission:

Ambry Genetics
Classification: Uncertain significance for Hereditary cancer-predisposing syndrome. Last evaluated: 2026-07-09. Review status: criteria provided, single submitter. Criteria: Ambry Variant Classification Scheme 2023. Collection method: clinical testing. Allele origin: germline.
Comment: The p.A188V variant (also known as c.563C>T), located in coding exon 5 of the RAD50 gene, results from a C to T substitution at nucleotide position 563. The alanine at codon 188 is replaced by valine, an amino acid with similar properties. This amino acid position is conserved. In addition, this alteration is predicted to be tolerated by in silico analysis. Based on the available evidence, the clinical significance of this variant remains unclear.

NM_005732.4(RAD50):c.563C>T (p.Ala188Val)

Gene: RAD50 (RAD50 double strand break repair protein; plus strand). Cytogenetic location: 5q31.1.
Variant type: single nucleotide variant.
Coding change: c.563C>T on transcript NM_005732.4 (MANE Select); coding-DNA position 563, C replaced by T.
Protein change: p.Ala188Val; replaces alanine 188 with valine.
Molecular consequence: missense variant.
Genome position (GRCh38, 1-based): chr5:132,579,873, C>T. VCF-style: chr5-132579873-C-T. GRCh37 (hg19) VCF-style: chr5-131915565-C-T.
Other names: short protein forms A188V.
Identifiers: ClinVar variation 5027715 (VCV005027715.1).